The following is an entry in ClinVar:

NM_006393.3(NEBL):c.986G>T (p.Gly329Val)

Gene: NEBL (nebulette; minus strand). Cytogenetic location: 10p12.31.
Variant type: single nucleotide variant.
Coding change: c.986G>T on transcript NM_006393.3 (MANE Select); coding-DNA position 986, G replaced by T.
Protein change: p.Gly329Val; replaces glycine 329 with valine.
Molecular consequence: missense variant. On other transcripts: intron variant (9).
Genome position (GRCh38, 1-based): chr10:20,852,567, C>A on the plus strand (G>T on the coding strand, the complement: NEBL is on the minus strand). VCF-style: chr10-20852567-C-A. GRCh37 (hg19) VCF-style: chr10-21141496-C-A.
Other names: c.250-39627G>T (NM_001377326.1, NM_001377327.1, NM_001377328.1); c.358-39627G>T (NM_213569.2, NM_001173484.2, NM_001377322.1); c.301-39627G>T (NM_001377324.1); c.292-39627G>T (NM_001377325.1); c.310-39627G>T (NM_001377323.1); short protein forms G329V.
Identifiers: ClinVar variation 379503 (VCV000379503.8), dbSNP rs776185255, ClinGen allele CA5433024.
Genomic context (GRCh38, chr10:20,852,567, plus strand): 5'-TGGCAGGGAGGGTAGGTACCGTACGGGCAAGTGTGTACCTGACTTTGGAGGACGGCATTG[C>A]CTTTATGGTGCAGATGTTCCACAGCATCTGCATCAAAATGATACATTCCTTTGTTTTCCT-3'
Protein context (NP_006384.1, residues 319-339): ADAVEHLHHK[Gly329Val]NAVLQSQVKY

ClinVar aggregate classification (germline): Conflicting classifications of pathogenicity. Review status: criteria provided, conflicting classifications (1 of 4 stars). 3 submissions from 3 submitters: Uncertain significance (2); Likely benign (1). Last evaluated 2025-08-08.

Conditions:
Primary dilated cardiomyopathy (DCM). Also called: Dilated Cardiomyopathy. Identifiers: Orphanet 217604, MedGen C0007193, MeSH D002311, MONDO:0005021, HP:0001644. Inheritance: Various modes of inheritance.

Allele frequency attached by ClinVar (database versions not stated): gnomAD 0.00001; TOPMed 0.00001; gnomAD exomes 0.00003; ExAC 0.00001.
gnomAD v4.1: 50 of 1,613,242 alleles (0.0031%); highest among the groups gnomAD compares: Non-Finnish European, 0.0042%; no homozygotes.

Submissions (3):

Ambry Genetics
Classification: Uncertain significance. Last evaluated: 2025-08-08. Review status: criteria provided, single submitter. Criteria: Ambry Variant Classification Scheme 2023. Collection method: clinical testing. Allele origin: germline.

Labcorp Genetics (formerly Invitae), Labcorp
Classification: Uncertain significance for Primary dilated cardiomyopathy. Last evaluated: 2025-04-23. Review status: criteria provided, single submitter. Criteria: Invitae Variant Classification Sherloc (09022015). Collection method: clinical testing. Allele origin: germline.
Comment: This sequence change replaces glycine, which is neutral and non-polar, with valine, which is neutral and non-polar, at codon 329 of the NEBL protein (p.Gly329Val). This variant is present in population databases (rs776185255, gnomAD 0.005%). This variant has not been reported in the literature in individuals affected with NEBL-related conditions. ClinVar contains an entry for this variant (Variation ID: 379503). An algorithm developed to predict the effect of missense changes on protein structure and function (PolyPhen-2) suggests that this variant is likely to be disruptive. In summary, the available evidence is currently insufficient to determine the role of this variant in disease. Therefore, it has been classified as a Variant of Uncertain Significance.

GeneDx
Classification: Likely benign. Last evaluated: 2015-07-21. Review status: criteria provided, single submitter. Criteria: GeneDx Variant Classification (06012015). Collection method: clinical testing. Allele origin: germline. Affected: yes.
Comment: This variant is considered likely benign or benign based on one or more of the following criteria: it is a conservative change, it occurs at a poorly conserved position in the protein, it is predicted to be benign by multiple in silico algorithms, and/or has population frequency not consistent with disease.